The following is an entry in ClinVar:

ClinVar aggregate classification (germline): Likely pathogenic (1 of 4 stars; one submission).

Conditions:
DYRK1A-related intellectual disability syndrome (MRD7). Also called: Intellectual developmental disorder, autosomal dominant 7; DYRK1A Syndrome. Identifiers: Orphanet 464306, MedGen C5568143, MONDO:0013578, OMIM 614104.

Submission:

Institute of Medical Genetics and Genomics, Sir Ganga Ram Hospital
Classification: Likely pathogenic for DYRK1A-related intellectual disability syndrome. Last evaluated: 2023-07-10. Review status: criteria provided, single submitter. Criteria: ACMG Guidelines, 2015. Collection method: clinical testing. Allele origin: de novo. Inheritance: Autosomal dominant inheritance. Affected: yes. Observed: 1 heterozygote.
Comment: This variant has not been reported in gnomAD (aggregated) database (PM2_moderate). Computational tools predict a deleterious effect of the mis-sense variant (PP3_moderate). This variant has been reported previously as p.Leu207Pro (PP5_supporting). PMID: 28053047.

Literature cited by the submitters: PubMed 28053047.

NM_001347721.2(DYRK1A):c.593T>C (p.Leu198Pro)

Gene: DYRK1A (dual specificity tyrosine phosphorylation regulated kinase 1A; plus strand). Cytogenetic location: 21q22.13.
Variant type: single nucleotide variant.
Coding change: c.593T>C on transcript NM_001347721.2 (MANE Select); coding-DNA position 593, T replaced by C.
Protein change: p.Leu198Pro; replaces leucine 198 with proline.
Molecular consequence: missense variant.
Genome position (GRCh38, 1-based): chr21:37,486,570, T>C. VCF-style: chr21-37486570-T-C. GRCh37 (hg19) VCF-style: chr21-38858872-T-C.
Other names: c.593T>C, p.Leu198Pro (NM_001347722.2, NM_130436.2); c.506T>C, p.Leu169Pro (NM_001347723.2); c.620T>C, p.Leu207Pro (NM_001396.5, NM_101395.2, NM_130438.2); short protein forms L169P, L198P, L207P.
Identifiers: ClinVar variation 2571595 (VCV002571595.2), dbSNP rs2518010357, ClinGen allele CA409945991.